The following is an entry in ClinVar:

NM_032802.4(SPPL2A):c.1409C>T (p.Pro470Leu)

Gene: SPPL2A (signal peptide peptidase like 2A; minus strand). Cytogenetic location: 15q21.2.
Variant type: single nucleotide variant.
Coding change: c.1409C>T on transcript NM_032802.4 (MANE Select); coding-DNA position 1409, C replaced by T.
Protein change: p.Pro470Leu; replaces proline 470 with leucine.
Molecular consequence: missense variant.
Genome position (GRCh38, 1-based): chr15:50,720,019, G>A on the plus strand (C>T on the coding strand, the complement: SPPL2A is on the minus strand). VCF-style: chr15-50720019-G-A. GRCh37 (hg19) VCF-style: chr15-51012216-G-A.
Other names: short protein forms P470L.
Identifiers: ClinVar variation 2847961 (VCV002847961.3), dbSNP rs753190221, ClinGen allele CA7558197.
Genomic context (GRCh38, chr15:50,720,019, plus strand): 5'-CAGAACTTTTTCATTTCCTTACGTCTCCAGGCAACAACTGAGGCAGTAATAAGTGTGCAA[G>A]GTACTAAATAGAGGAGAGCAGGTTGCCCCTTTTTCATCAGCACCAGAACAACAAATGTAA-3'
Protein context (NP_116191.2, residues 460-480): KGQPALLYLV[Pro470Leu]CTLITASVVA

ClinVar aggregate classification (germline): Uncertain significance (1 of 4 stars; one submission).

Allele frequency attached by ClinVar (database versions not stated): ExAC 0.00001.
gnomAD v4.1: 1 of 1,613,498 alleles (0.000062%); highest among the groups gnomAD compares: Admixed American, 0.0017%; no homozygotes.

Submission:

Labcorp Genetics (formerly Invitae), Labcorp
Classification: Uncertain significance. Last evaluated: 2023-03-20. Review status: criteria provided, single submitter. Criteria: Invitae Variant Classification Sherloc (09022015). Collection method: clinical testing. Allele origin: germline.
Comment: In summary, the available evidence is currently insufficient to determine the role of this variant in disease. Therefore, it has been classified as a Variant of Uncertain Significance. An algorithm developed to predict the effect of missense changes on protein structure and function (PolyPhen-2) suggests that this variant is likely to be disruptive. This variant has not been reported in the literature in individuals affected with SPPL2A-related conditions. This variant is not present in population databases (gnomAD no frequency). This sequence change replaces proline, which is neutral and non-polar, with leucine, which is neutral and non-polar, at codon 470 of the SPPL2A protein (p.Pro470Leu).